The following is an entry in ClinVar:

ClinVar aggregate classification (germline): Uncertain significance (1 of 4 stars; one submission).

Conditions:
Gastrointestinal stromal tumor. Also called: Gastrointestinal stroma tumor; Gastrointestinal stromal tumor, somatic. Identifiers: Orphanet 44890, MedGen C0238198, MeSH D046152, MONDO:0011719, OMIM 606764, HP:0100723.

Submission:

Labcorp Genetics (formerly Invitae), Labcorp
Classification: Uncertain significance for Gastrointestinal stromal tumor. Last evaluated: 2022-02-26. Review status: criteria provided, single submitter. Criteria: Invitae Variant Classification Sherloc (09022015). Collection method: clinical testing. Allele origin: germline.
Comment: This sequence change replaces serine, which is neutral and polar, with asparagine, which is neutral and polar, at codon 566 of the PDGFRA protein (p.Ser566Asn). Algorithms developed to predict the effect of missense changes on protein structure and function are either unavailable or do not agree on the potential impact of this missense change (SIFT: "Tolerated"; PolyPhen-2: "Probably Damaging"; Align-GVGD: "Class C0"). This variant is not present in population databases (gnomAD no frequency). This variant has not been reported in the literature in individuals affected with PDGFRA-related conditions. In summary, the available evidence is currently insufficient to determine the role of this variant in disease. Therefore, it has been classified as a Variant of Uncertain Significance.

NM_006206.6(PDGFRA):c.1697G>A (p.Ser566Asn)

Gene: PDGFRA (platelet derived growth factor receptor alpha; plus strand). Cytogenetic location: 4q12.
Variant type: single nucleotide variant.
Coding change: c.1697G>A on transcript NM_006206.6 (MANE Select); coding-DNA position 1697, G replaced by A.
Protein change: p.Ser566Asn; replaces serine 566 with asparagine.
Molecular consequence: missense variant.
Genome position (GRCh38, 1-based): chr4:54,274,884, G>A. VCF-style: chr4-54274884-G-A. GRCh37 (hg19) VCF-style: chr4-55141051-G-A.
Other names: c.1697G>A, p.Ser566Asn (NM_001347827.2, NM_001347829.2); c.1772G>A, p.Ser591Asn (NM_001347828.2); c.1736G>A, p.Ser579Asn (NM_001347830.2); short protein forms S579N, S591N, S566N.
Identifiers: ClinVar variation 2103735 (VCV002103735.4), dbSNP rs1560480581, ClinGen allele CA356893109.